The following is an entry in ClinVar:

NM_020919.4(ALS2):c.4817T>C (p.Leu1606Ser)

Gene: ALS2 (alsin Rho guanine nucleotide exchange factor ALS2; minus strand). Cytogenetic location: 2q33.1.
Variant type: single nucleotide variant.
Coding change: c.4817T>C on transcript NM_020919.4 (MANE Select); coding-DNA position 4817, T replaced by C.
Protein change: p.Leu1606Ser; replaces leucine 1606 with serine.
Molecular consequence: missense variant.
Genome position (GRCh38, 1-based): chr2:201,704,475, A>G on the plus strand (T>C on the coding strand, the complement: ALS2 is on the minus strand). VCF-style: chr2-201704475-A-G. GRCh37 (hg19) VCF-style: chr2-202569198-A-G.
Other names: c.4814T>C, p.Leu1605Ser (NM_001410975.1); short protein forms L1606S, L1605S.
Identifiers: ClinVar variation 2178530 (VCV002178530.3), dbSNP rs772452966, ClinGen allele CA2057478.
Genomic context (GRCh38, chr2:201,704,475, plus strand): 5'-AATAACGACTCACTAATAACAAAGTCATAAAACAGTTACCTGGCCCGTAGCACCACATAT[A>G]AGAAAACAGGAAACAAGTCATCCATGGACCACAAGAAGTCTTCGTGGAGTGACGCCAGGA-3'
Protein context (NP_065970.2, residues 1596-1616): WSMDDLFPVF[Leu1606Ser]YVVLRARIRN

ClinVar aggregate classification (germline): Uncertain significance (1 of 4 stars; one submission).

Conditions:
Infantile-onset ascending hereditary spastic paralysis (IAHSP). Also called: Infantile-Onset Ascending Hereditary Spastic Paralysis (IAHSP); Autosomal Recessive Juvenile Amyotrophic Lateral Sclerosis. Identifiers: Orphanet 293168, MedGen C2931441, MONDO:0011797, OMIM 607225. Disease mechanism: loss of function.

Allele frequency attached by ClinVar (database versions not stated): ExAC 0.00001; TOPMed 0.00001; gnomAD 0.00002.

Submission:

Labcorp Genetics (formerly Invitae), Labcorp
Classification: Uncertain significance for Infantile-onset ascending hereditary spastic paralysis. Last evaluated: 2022-09-02. Review status: criteria provided, single submitter. Criteria: Invitae Variant Classification Sherloc (09022015). Collection method: clinical testing. Allele origin: germline.
Comment: In summary, the available evidence is currently insufficient to determine the role of this variant in disease. Therefore, it has been classified as a Variant of Uncertain Significance. Algorithms developed to predict the effect of missense changes on protein structure and function are either unavailable or do not agree on the potential impact of this missense change (SIFT: "Deleterious"; PolyPhen-2: "Probably Damaging"; Align-GVGD: "Class C0"). This variant has not been reported in the literature in individuals affected with ALS2-related conditions. This variant is present in population databases (rs772452966, gnomAD 0.005%). This sequence change replaces leucine, which is neutral and non-polar, with serine, which is neutral and polar, at codon 1606 of the ALS2 protein (p.Leu1606Ser).